The following is an entry in ClinVar:

NM_000369.5(TSHR):c.1582C>T (p.Arg528Cys)

Genes: TSHR (thyroid stimulating hormone receptor; plus strand), TSHR-AS1 (TSHR antisense RNA 1; minus strand). Cytogenetic location: 14q31.1.
Variant type: single nucleotide variant.
Coding change: c.1582C>T on transcript NM_000369.5 (MANE Select); coding-DNA position 1582, C replaced by T.
Protein change: p.Arg528Cys; replaces arginine 528 with cysteine.
Molecular consequence: missense variant.
Genome position (GRCh38, 1-based): chr14:81,143,640, C>T. VCF-style: chr14-81143640-C-T. GRCh37 (hg19) VCF-style: chr14-81609984-C-T.
Other names: short protein forms R528C.
Identifiers: ClinVar variation 2682178 (VCV002682178.1), dbSNP rs765367813, ClinGen allele CA7294491.
Genomic context (GRCh38, chr14:81,143,640, plus strand): 5'-TCGGTGTATACGCTGACGGTCATCACCCTGGAGCGCTGGTATGCCATCACCTTCGCCATG[C>T]GCCTGGACCGGAAGATCCGCCTCAGGCACGCATGTGCCATCATGGTTGGGGGCTGGGTTT-3'
Protein context (NP_000360.2, residues 518-538): ERWYAITFAM[Arg528Cys]LDRKIRLRHA

ClinVar aggregate classification (germline): Likely pathogenic (1 of 4 stars; one submission).

Conditions:
Hypothyroidism due to TSH receptor mutations. Also called: Hypothyroidism, congenital, nongoitrous, 1; HYPOTHYROIDISM DUE TO UNRESPONSIVENESS TO THYROTROPIN; HYPOTHYROIDISM, CONGENITAL, DUE TO TSH RESISTANCE; HYPOTHYROIDISM, NONAUTOIMMUNE; THYROID-STIMULATING HORMONE, RESISTANCE TO; TSH RESISTANCE. Identifiers: Orphanet 90673, MedGen C3493776, MONDO:0010142, OMIM 275200.

Allele frequency attached by ClinVar (database versions not stated): ExAC 0.00001; gnomAD 0.00001; gnomAD exomes 0.00001.
gnomAD v4.1: 12 of 1,613,958 alleles (0.00074%); highest among the groups gnomAD compares: South Asian, 0.0044%; no homozygotes.

Submission:

Women's Health and Genetics/Laboratory Corporation of America, LabCorp
Classification: Likely pathogenic for Hypothyroidism due to TSH receptor mutations. Last evaluated: 2023-11-01. Review status: criteria provided, single submitter. Criteria: LabCorp Variant Classification Summary - May 2015. Collection method: clinical testing. Allele origin: germline.
Comment: Variant summary: TSHR c.1582C>T (p.Arg528Cys) results in a non-conservative amino acid change in the encoded protein sequence. Four of five in-silico tools predict a damaging effect of the variant on protein function. The variant allele was found at a frequency of 4e-06 in 251316 control chromosomes. c.1582C>T has been reported in the literature in individuals affected with reported thyroid hypoplasia in a compound heterozygous genotype (e.g. Qiu_2016) and in individuals affected with congenital hypothyroidism as a compound heterozygous genotype (e.g. Tanaka_2020), homozygous genotype (e.g. Kara_2023), or heterozygous phenotype with VUS-classified variants in another gene known to cause the phenotype (e.g. Acar_2022). These data indicate that the variant is likely to be associated with disease. To our knowledge, no experimental evidence demonstrating an impact on protein function has been reported. The following publications have been ascertained in the context of this evaluation (PMID: 34780050, 36913313, 26864598, 32469330). No submitters have cited clinical-significance assessments for this variant to ClinVar after 2014. Based on the evidence outlined above, the variant was classified as likely pathogenic.

Literature cited by the submitters: PubMed 34780050; PubMed 32469330; PubMed 36913313; PubMed 26864598.